The following is an entry in ClinVar:

NM_001035.3(RYR2):c.13100A>G (p.Lys4367Arg)

Genes: RYR2 (ryanodine receptor 2; plus strand), LOC126806068 (BRD4-independent group 4 enhancer GRCh37_chr1:237947411-237948610; plus strand). Cytogenetic location: 1q43.
Variant type: single nucleotide variant.
Coding change: c.13100A>G on transcript NM_001035.3 (MANE Select); coding-DNA position 13100, A replaced by G.
Protein change: p.Lys4367Arg; replaces lysine 4367 with arginine.
Molecular consequence: missense variant.
Genome position (GRCh38, 1-based): chr1:237,784,812, A>G. VCF-style: chr1-237784812-A-G. GRCh37 (hg19) VCF-style: chr1-237948112-A-G.
Other names: short protein forms K4367R.
Identifiers: ClinVar variation 1422963 (VCV001422963.9), dbSNP rs2149356442, ClinGen allele CA345415285.

ClinVar aggregate classification (germline): Uncertain significance (1 of 4 stars; one submission).

Conditions:
Catecholaminergic polymorphic ventricular tachycardia 1. Also called: VENTRICULAR TACHYCARDIA, CATECHOLAMINERGIC POLYMORPHIC, 1, WITH OR WITHOUT ATRIAL DYSFUNCTION AND/OR DILATED CARDIOMYOPATHY; RYR2-Related Catecholaminergic Polymorphic Ventricular Tachycardia; VENTRICULAR TACHYCARDIA, STRESS-INDUCED POLYMORPHIC 1. Identifiers: Orphanet 3286, MedGen C1631597, MONDO:0011484, OMIM 604772.

Submission:

Labcorp Genetics (formerly Invitae), Labcorp
Classification: Uncertain significance for Catecholaminergic polymorphic ventricular tachycardia 1. Last evaluated: 2024-10-07. Review status: criteria provided, single submitter. Criteria: Invitae Variant Classification Sherloc (09022015). Collection method: clinical testing. Allele origin: germline.
Comment: This sequence change replaces lysine, which is basic and polar, with arginine, which is basic and polar, at codon 4367 of the RYR2 protein (p.Lys4367Arg). This variant is not present in population databases (gnomAD no frequency). This variant has not been reported in the literature in individuals affected with RYR2-related conditions. ClinVar contains an entry for this variant (Variation ID: 1422963). Invitae Evidence Modeling of protein sequence and biophysical properties (such as structural, functional, and spatial information, amino acid conservation, physicochemical variation, residue mobility, and thermodynamic stability) indicates that this missense variant is not expected to disrupt RYR2 protein function with a negative predictive value of 95%. In summary, the available evidence is currently insufficient to determine the role of this variant in disease. Therefore, it has been classified as a Variant of Uncertain Significance.